The following is an entry in ClinVar:

NM_019040.5(ELP4):c.265G>A (p.Asp89Asn)

Gene: ELP4 (elongator acetyltransferase complex subunit 4; plus strand). Cytogenetic location: 11p13.
Variant type: single nucleotide variant.
Coding change: c.265G>A on transcript NM_019040.5 (MANE Select); coding-DNA position 265, G replaced by A.
Protein change: p.Asp89Asn; replaces aspartic acid 89 with asparagine.
Molecular consequence: missense variant.
Genome position (GRCh38, 1-based): chr11:31,539,667, G>A. VCF-style: chr11-31539667-G-A. GRCh37 (hg19) VCF-style: chr11-31561214-G-A.
Other names: c.265G>A, p.Asp89Asn (NM_001288725.2, NM_001288726.2); short protein forms D89N.
Identifiers: ClinVar variation 5043521 (VCV005043521.1).

ClinVar aggregate classification (germline): VUS-mid (1 of 4 stars; one submission).

Conditions:
ELP4-related disorder. Also called: ELP4-related condition.

gnomAD v4.1: 1 of 1,602,098 alleles (0.000062%); highest among the groups gnomAD compares: Admixed American, 0.0017%; no homozygotes.

Submission:

Lupski Lab, Baylor-Hopkins CMG, Baylor College of Medicine
Classification: VUS-mid for ELP4-related condition. Last evaluated: 2026-11-04. Review status: criteria provided, single submitter. Criteria: ACMG Guidelines, 2015. Collection method: research. Allele origin: biparental. Inheritance: Autosomal recessive inheritance. Affected: yes. Observed: 1 variant allele, 1 homozygote.
Comment: The c.265G>A (p.Asp89Asn) variant in ELP4 (NM_019040.5; GRCh38 Chr11:31539667 G>A) is a missense change identified in the homozygous state. It is not reported in ClinVar. It is present in gnomAD 1 time as a single heterozygote. In silico prediction models are conflicting: CADD 30, REVEL 0.51, AlphaMissense 0.75. Biallelic ELP4 missense variants have been described in only one published individual, who had a severe neurodevelopmental phenotype with epilepsy, microcephaly, cerebral and cerebellar atrophy, scoliosis and hip dislocation. That individual carried two different variants, p.Tyr91Cys and p.Leu296Ile, which impaired Elongator-dependent tRNA modification in patient cells (Gaik et al. 2022). Asp89 lies two residues from Tyr91, but no functional or segregation data exist for p.Asp89Asn at this time, and the proband’s features only overlap partly. Given this evidence, this variant is classified as a Variant of Uncertain Significance (PM2_Supporting, PP3, PP4_Supporting).

Literature cited by the submitters: PubMed 35698786.